The following is an entry in ClinVar:

NM_182914.3(SYNE2):c.6081A>T (p.Arg2027Ser)

Gene: SYNE2 (spectrin repeat containing nuclear envelope protein 2; plus strand). Cytogenetic location: 14q23.2.
Variant type: single nucleotide variant.
Coding change: c.6081A>T on transcript NM_182914.3 (MANE Select); coding-DNA position 6081, A replaced by T.
Protein change: p.Arg2027Ser; replaces arginine 2027 with serine.
Molecular consequence: missense variant.
Genome position (GRCh38, 1-based): chr14:64,025,250, A>T. VCF-style: chr14-64025250-A-T. GRCh37 (hg19) VCF-style: chr14-64491968-A-T.
Other names: c.6081A>T, p.Arg2027Ser (NM_015180.6); short protein forms R2027S.
Identifiers: ClinVar variation 2197195 (VCV002197195.4), dbSNP rs531920320, ClinGen allele CA7220620.

ClinVar aggregate classification (germline): Uncertain significance (1 of 4 stars; one submission).

Conditions:
Emery-Dreifuss muscular dystrophy 5, autosomal dominant (EDMD5). Also called: EMERY-DREIFUSS MUSCULAR DYSTROPHY 5. Identifiers: Orphanet 261, MedGen C2751805, MONDO:0013072, OMIM 612999.

Allele frequency attached by ClinVar (database versions not stated): ExAC 0.00002; TOPMed 0.00002; gnomAD 0.00003; gnomAD exomes 0.00003.
gnomAD v4.1: 41 of 1,613,998 alleles (0.0025%); highest among the groups gnomAD compares: Non-Finnish European, 0.0034%; no homozygotes.

Submission:

Labcorp Genetics (formerly Invitae), Labcorp
Classification: Uncertain significance for Emery-Dreifuss muscular dystrophy 5, autosomal dominant. Last evaluated: 2022-07-13. Review status: criteria provided, single submitter. Criteria: Invitae Variant Classification Sherloc (09022015). Collection method: clinical testing. Allele origin: germline.
Comment: This sequence change replaces arginine, which is basic and polar, with serine, which is neutral and polar, at codon 2027 of the SYNE2 protein (p.Arg2027Ser). This variant is present in population databases (rs531920320, gnomAD 0.003%). This variant has not been reported in the literature in individuals affected with SYNE2-related conditions. Algorithms developed to predict the effect of missense changes on protein structure and function are either unavailable or do not agree on the potential impact of this missense change (SIFT: "Tolerated"; PolyPhen-2: "Possibly Damaging"; Align-GVGD: "Class C0"). In summary, the available evidence is currently insufficient to determine the role of this variant in disease. Therefore, it has been classified as a Variant of Uncertain Significance.